The following is an entry in ClinVar:

ClinVar aggregate classification (germline): Uncertain significance (1 of 4 stars; one submission).

Conditions:
Van der Woude syndrome 2 (VWS2). Identifiers: Orphanet 888, MedGen C1847604, MONDO:0011712, OMIM 606713.

gnomAD v4.1: 4 of 1,613,014 alleles (0.00025%); highest among the groups gnomAD compares: Non-Finnish European, 0.00034%; no homozygotes.

Submission:

Labcorp Genetics (formerly Invitae), Labcorp
Classification: Uncertain significance for Van der Woude syndrome 2. Last evaluated: 2025-03-27. Review status: criteria provided, single submitter. Criteria: Invitae Variant Classification Sherloc (09022015). Collection method: clinical testing. Allele origin: germline.
Comment: This sequence change replaces threonine, which is neutral and polar, with proline, which is neutral and non-polar, at codon 496 of the GRHL3 protein (p.Thr496Pro). This variant is present in population databases (no rsID available, gnomAD 0.0009%). This variant has not been reported in the literature in individuals affected with GRHL3-related conditions. An algorithm developed to predict the effect of missense changes on protein structure and function outputs the following: PolyPhen-2: "Benign". The proline amino acid residue is found in multiple mammalian species, which suggests that this missense change does not adversely affect protein function. In summary, the available evidence is currently insufficient to determine the role of this variant in disease. Therefore, it has been classified as a Variant of Uncertain Significance.

NM_198173.3(GRHL3):c.1486A>C (p.Thr496Pro)

Gene: GRHL3 (grainyhead like transcription factor 3; plus strand). Cytogenetic location: 1p36.11.
Variant type: single nucleotide variant.
Coding change: c.1486A>C on transcript NM_198173.3 (MANE Select); coding-DNA position 1486, A replaced by C.
Protein change: p.Thr496Pro; replaces threonine 496 with proline.
Molecular consequence: missense variant.
Genome position (GRCh38, 1-based): chr1:24,346,584, A>C. VCF-style: chr1-24346584-A-C. GRCh37 (hg19) VCF-style: chr1-24673074-A-C.
Other names: c.1348A>C, p.Thr450Pro (NM_001195010.2); c.1501A>C, p.Thr501Pro (NM_021180.4); c.1486A>C, p.Thr496Pro (NM_198174.3); short protein forms T450P, T501P, T496P.
Identifiers: ClinVar variation 4752072 (VCV004752072.1).
Genomic context (GRCh38, chr1:24,346,584, plus strand): 5'-CACAAGCTCCCCCACTGCCATCCCCACAGGCTGCCTCTGAAGCGTACCTGCTCGCCCTTC[A>C]CTGAGGAGTTTGAGCCTCTGCCCTCCAAGCAGGCCAAGGAAGGCGACCTTCAGAGAGGTG-3'
Protein context (NP_937816.1, residues 486-506): LPLKRTCSPF[Thr496Pro]EEFEPLPSKQ